The following is an entry in ClinVar:

ClinVar aggregate classification (germline): Uncertain significance. Review status: criteria provided, multiple submitters, no conflicts (2 of 4 stars). 2 submissions from 2 submitters: Uncertain significance (2). Last evaluated 2025-04-23.

Conditions:
Inborn genetic diseases. Identifiers: MedGen C0950123, MeSH D030342.
Early-infantile DEE. Also called: Early infantile epileptic encephalopathy; Ohtahara syndrome; Early infantile epileptic encephalopathy with suppression bursts. Identifiers: Orphanet 1934, MedGen C0393706, MONDO:0800491.

Allele frequency attached by ClinVar (database versions not stated): gnomAD exomes below 0.00001; ExAC 0.00001; gnomAD 0.00001; TOPMed 0.00002.
gnomAD v4.1: 4 of 1,587,872 alleles (0.00025%); highest among the groups gnomAD compares: African/African-American, 0.004%; no homozygotes.

Submissions (2):

Labcorp Genetics (formerly Invitae), Labcorp
Classification: Uncertain significance for Early-infantile DEE. Last evaluated: 2025-04-23. Review status: criteria provided, single submitter. Criteria: Invitae Variant Classification Sherloc (09022015). Collection method: clinical testing. Allele origin: germline.
Comment: This sequence change replaces isoleucine, which is neutral and non-polar, with threonine, which is neutral and polar, at codon 675 of the KCNH5 protein (p.Ile675Thr). This variant is present in population databases (rs747312358, gnomAD 0.005%). This variant has not been reported in the literature in individuals affected with KCNH5-related conditions. ClinVar contains an entry for this variant (Variation ID: 943234). Invitae Evidence Modeling of protein sequence and biophysical properties (such as structural, functional, and spatial information, amino acid conservation, physicochemical variation, residue mobility, and thermodynamic stability) indicates that this missense variant is not expected to disrupt KCNH5 protein function with a negative predictive value of 95%. In summary, the available evidence is currently insufficient to determine the role of this variant in disease. Therefore, it has been classified as a Variant of Uncertain Significance.

Ambry Genetics
Classification: Uncertain significance for Inborn genetic diseases. Last evaluated: 2024-11-09. Review status: criteria provided, single submitter. Criteria: Ambry Variant Classification Scheme 2023. Collection method: clinical testing. Allele origin: germline.

NM_139318.5(KCNH5):c.2024T>C (p.Ile675Thr)

Gene: KCNH5 (potassium voltage-gated channel subfamily H member 5; minus strand). Cytogenetic location: 14q23.2.
Variant type: single nucleotide variant.
Coding change: c.2024T>C on transcript NM_139318.5 (MANE Select); coding-DNA position 2024, T replaced by C.
Protein change: p.Ile675Thr; replaces isoleucine 675 with threonine.
Molecular consequence: missense variant. On other transcripts: synonymous variant (1).
Genome position (GRCh38, 1-based): chr14:62,708,451, A>G on the plus strand (T>C on the coding strand, the complement: KCNH5 is on the minus strand). VCF-style: chr14-62708451-A-G. GRCh37 (hg19) VCF-style: chr14-63175169-A-G.
Other names: c.1827T>C, p.His609= (NM_172375.3); c.2024T>C (NM_139318.3); short protein forms I675T.
Identifiers: ClinVar variation 943234 (VCV000943234.11), dbSNP rs747312358, ClinGen allele CA7217335.